The following is an entry in ClinVar:

NM_022124.6(CDH23):c.8791G>T (p.Asp2931Tyr)

Gene: CDH23 (cadherin related 23; plus strand). Cytogenetic location: 10q22.1.
Variant type: single nucleotide variant.
Coding change: c.8791G>T on transcript NM_022124.6 (MANE Select); coding-DNA position 8791, G replaced by T.
Protein change: p.Asp2931Tyr; replaces aspartic acid 2931 with tyrosine.
Molecular consequence: missense variant.
Genome position (GRCh38, 1-based): chr10:71,809,888, G>T. VCF-style: chr10-71809888-G-T. GRCh37 (hg19) VCF-style: chr10-73569645-G-T.
Other names: c.2071G>T, p.Asp691Tyr (NM_001171933.1, NM_001171934.1); short protein forms D2931Y, D691Y.
Identifiers: ClinVar variation 1422269 (VCV001422269.3), dbSNP rs1443708995, ClinGen allele CA377133194.

ClinVar aggregate classification (germline): Uncertain significance (1 of 4 stars; one submission).

Allele frequency attached by ClinVar (database versions not stated): gnomAD exomes below 0.00001.
gnomAD v4.1: 2 of 1,613,398 alleles (0.00012%); highest among the groups gnomAD compares: Non-Finnish European, 0.00017%; no homozygotes.

Submission:

Labcorp Genetics (formerly Invitae), Labcorp
Classification: Uncertain significance. Last evaluated: 2021-09-26. Review status: criteria provided, single submitter. Criteria: Invitae Variant Classification Sherloc (09022015). Collection method: clinical testing. Allele origin: germline.
Comment: This sequence change replaces aspartic acid with tyrosine at codon 2931 of the CDH23 protein (p.Asp2931Tyr). The aspartic acid residue is highly conserved and there is a large physicochemical difference between aspartic acid and tyrosine. This variant is not present in population databases (ExAC no frequency). This variant has not been reported in the literature in individuals affected with CDH23-related conditions. Algorithms developed to predict the effect of missense changes on protein structure and function are either unavailable or do not agree on the potential impact of this missense change (SIFT: "Deleterious"; PolyPhen-2: "Not Available"; Align-GVGD: "Class C15"). In summary, the available evidence is currently insufficient to determine the role of this variant in disease. Therefore, it has been classified as a Variant of Uncertain Significance.